The following is an entry in ClinVar:

ClinVar aggregate classification (germline): Uncertain significance (1 of 4 stars; one submission).

gnomAD v4.1: 1 of 1,614,222 alleles (0.000062%); highest among the groups gnomAD compares: Non-Finnish European, 0.000085%; no homozygotes.

Submission:

GeneDx
Classification: Uncertain significance. Last evaluated: 2025-08-01. Review status: criteria provided, single submitter. Criteria: GeneDx Variant Classification Process June 2021. Collection method: clinical testing. Allele origin: germline. Affected: yes.
Comment: Not observed at significant frequency in large population cohorts (gnomAD); In silico analysis suggests that this missense variant does not alter protein structure/function; Has not been previously published as pathogenic or benign to our knowledge

NM_001923.5(DDB1):c.3317A>G (p.Gln1106Arg)

Genes: DDB1 (damage specific DNA binding protein 1; minus strand), LOC126861224 (MED14-independent group 3 enhancer GRCh37_chr11:61067594-61068793; plus strand). Cytogenetic location: 11q12.2.
Variant type: single nucleotide variant.
Coding change: c.3317A>G on transcript NM_001923.5 (MANE Select); coding-DNA position 3317, A replaced by G.
Protein change: p.Gln1106Arg; replaces glutamine 1106 with arginine.
Molecular consequence: missense variant.
Genome position (GRCh38, 1-based): chr11:61,300,831, T>C on the plus strand (A>G on the coding strand, the complement: DDB1 is on the minus strand). VCF-style: chr11-61300831-T-C. GRCh37 (hg19) VCF-style: chr11-61068303-T-C.
Other names: short protein forms Q1106R.
Identifiers: ClinVar variation 4690074 (VCV004690074.1).
Genomic context (GRCh38, chr11:61,300,831, plus strand): 5'-GACTTGTCTGGCCCAGGGTTAAACACCACACAGCTCACCTGTAGGTTTGCCACCACCTCC[T>C]GCATCTTGGGGCGGCTAATATCCAGGAAACTCTCAATCAAGTCACCGTCGATGAAACCTG-3'
Protein context (NP_001914.3, residues 1096-1116): SFLDISRPKM[Gln1106Arg]EVVANLQYDD